The following is an entry in ClinVar:

ClinVar aggregate classification (germline): Uncertain significance (1 of 4 stars; one submission).

Conditions:
Hereditary cancer-predisposing syndrome. Also called: Tumor predisposition; Hereditary Cancer Syndrome; Hereditary neoplastic syndrome; Neoplastic Syndromes, Hereditary. Identifiers: Orphanet 140162, MedGen C0027672, MeSH D009386, MONDO:0015356.

Submission:

Ambry Genetics
Classification: Uncertain significance for Hereditary cancer-predisposing syndrome. Last evaluated: 2024-04-24. Review status: criteria provided, single submitter. Criteria: Ambry Variant Classification Scheme 2023. Collection method: clinical testing. Allele origin: germline.
Comment: The p.E432K variant (also known as c.1294G>A), located in coding exon 12 of the NF2 gene, results from a G to A substitution at nucleotide position 1294. The glutamic acid at codon 432 is replaced by lysine, an amino acid with similar properties. This amino acid position is conserved. In addition, this alteration is predicted to be deleterious by in silico analysis. Based on the available evidence, the clinical significance of this variant remains unclear.

NM_000268.4(NF2):c.1294G>A (p.Glu432Lys)

Gene: NF2 (NF2, moesin-ezrin-radixin like (MERLIN) tumor suppressor; plus strand). Cytogenetic location: 22q12.2.
Variant type: single nucleotide variant.
Coding change: c.1294G>A on transcript NM_000268.4 (MANE Select); coding-DNA position 1294, G replaced by A.
Protein change: p.Glu432Lys; replaces glutamic acid 432 with lysine.
Molecular consequence: missense variant. On other transcripts: intron variant (1).
Genome position (GRCh38, 1-based): chr22:29,673,440, G>A. VCF-style: chr22-29673440-G-A. GRCh37 (hg19) VCF-style: chr22-30069429-G-A.
Other names: c.1180G>A, p.Glu394Lys (NM_001407053.1, NM_001407056.1); c.1171G>A, p.Glu391Lys (NM_001407054.1, NM_001407058.1, NM_181829.3); c.1168G>A, p.Glu390Lys (NM_001407055.1, NM_181828.3); c.1159G>A, p.Glu387Lys (NM_001407057.1, NM_001407059.1); c.1294G>A, p.Glu432Lys (NM_001407060.1, NM_001407066.1, NM_016418.5 and 2 more transcripts); c.1036G>A, p.Glu346Lys (NM_001407062.1); c.1045G>A, p.Glu349Lys (NM_001407063.1, NM_001407064.1, NM_181830.3 and 1 more transcripts); c.760G>A, p.Glu254Lys (NM_001407065.1); and 2 more; short protein forms E355K, E394K, E349K, E346K, E390K, E391K, E254K, E387K.
Identifiers: ClinVar variation 3299426 (VCV003299426.1).